The following is an entry in ClinVar:

ClinVar aggregate classification (germline): Uncertain significance (1 of 4 stars; one submission).

Conditions:
Hereditary cancer-predisposing syndrome. Also called: Tumor predisposition; Neoplastic Syndromes, Hereditary; Hereditary neoplastic syndrome; Hereditary Cancer Syndrome. Identifiers: Orphanet 140162, MedGen C0027672, MeSH D009386, MONDO:0015356.

Submission:

Ambry Genetics
Classification: Uncertain significance for Hereditary cancer-predisposing syndrome. Last evaluated: 2024-07-02. Review status: criteria provided, single submitter. Criteria: Ambry Variant Classification Scheme 2023. Collection method: clinical testing. Allele origin: germline.
Comment: The p.D229E variant (also known as c.687C>A), located in coding exon 5 of the STK11 gene, results from a C to A substitution at nucleotide position 687. The aspartic acid at codon 229 is replaced by glutamic acid, an amino acid with highly similar properties. This amino acid position is conserved. In addition, this alteration is predicted to be tolerated by in silico analysis. Based on the available evidence, the clinical significance of this variant remains unclear.

NM_000455.5(STK11):c.687C>A (p.Asp229Glu)

Gene: STK11 (serine/threonine kinase 11; plus strand). Cytogenetic location: 19p13.3.
Variant type: single nucleotide variant.
Coding change: c.687C>A on transcript NM_000455.5 (MANE Select); coding-DNA position 687, C replaced by A.
Protein change: p.Asp229Glu; replaces aspartic acid 229 with glutamic acid.
Molecular consequence: missense variant. On other transcripts: non-coding transcript variant (1).
Genome position (GRCh38, 1-based): chr19:1,220,670, C>A. VCF-style: chr19-1220670-C-A. GRCh37 (hg19) VCF-style: chr19-1220669-C-A.
Other names: c.687C>A, p.Asp229Glu (NM_001407255.1); short protein forms D229E.
Identifiers: ClinVar variation 3450556 (VCV003450556.1).